The following is an entry in ClinVar:

NM_024666.5(AAGAB):c.220G>C (p.Ala74Pro)

Gene: AAGAB (alpha and gamma adaptin binding protein; minus strand). Cytogenetic location: 15q23.
Variant type: single nucleotide variant.
Coding change: c.220G>C on transcript NM_024666.5 (MANE Select); coding-DNA position 220, G replaced by C.
Protein change: p.Ala74Pro; replaces alanine 74 with proline.
Molecular consequence: missense variant. On other transcripts: 5 prime UTR variant (2).
Genome position (GRCh38, 1-based): chr15:67,236,674, C>G on the plus strand (G>C on the coding strand, the complement: AAGAB is on the minus strand). VCF-style: chr15-67236674-C-G. GRCh37 (hg19) VCF-style: chr15-67529012-C-G.
Other names: c.-108G>C (NM_001271885.2, NM_001271886.2); c.220G>C (NM_024666.3); short protein forms A74P.
Identifiers: ClinVar variation 2790353 (VCV002790353.5), dbSNP rs946760528, ClinGen allele CA272387626.

ClinVar aggregate classification (germline): Uncertain significance. Review status: criteria provided, multiple submitters, no conflicts (2 of 4 stars). 3 submissions from 3 submitters: Uncertain significance (3). Last evaluated 2026-08-04.

Allele frequency attached by ClinVar (database versions not stated): gnomAD 0.00001; TOPMed 0.00002.
gnomAD v4.1: 2 of 1,613,944 alleles (0.00012%); highest among the groups gnomAD compares: Admixed American, 0.0017%; no homozygotes.

Submissions (3):

Ambry Genetics
Classification: Uncertain significance. Last evaluated: 2026-08-04. Review status: criteria provided, single submitter. Criteria: Ambry Variant Classification Scheme 2023. Collection method: clinical testing. Allele origin: germline.

Labcorp Genetics (formerly Invitae), Labcorp
Classification: Uncertain significance. Last evaluated: 2023-04-10. Review status: criteria provided, single submitter. Criteria: Invitae Variant Classification Sherloc (09022015). Collection method: clinical testing. Allele origin: germline.
Comment: This variant has not been reported in the literature in individuals affected with AAGAB-related conditions. This variant is not present in population databases (gnomAD no frequency). This sequence change replaces alanine, which is neutral and non-polar, with proline, which is neutral and non-polar, at codon 74 of the AAGAB protein (p.Ala74Pro). An algorithm developed to predict the effect of missense changes on protein structure and function (PolyPhen-2) suggests that this variant is likely to be disruptive. In summary, the available evidence is currently insufficient to determine the role of this variant in disease. Therefore, it has been classified as a Variant of Uncertain Significance.

Blueprint Genetics
Classification: Uncertain significance. Last evaluated: 2022-07-14. Review status: criteria provided, single submitter. Criteria: ACMG Guidelines, 2015. Collection method: clinical testing. Allele origin: germline.